The following is an entry in ClinVar:

ClinVar aggregate classification (germline): Likely benign (1 of 4 stars; one submission).

Allele frequency attached by ClinVar (database versions not stated): ExAC 0.00002; gnomAD exomes 0.00002; TOPMed 0.00005; gnomAD 0.00007; ESP Exome Variant Server 0.00008.
gnomAD v4.1: 49 of 1,613,628 alleles (0.003%); highest among the groups gnomAD compares: Middle Eastern, 0.099%; no homozygotes.

Submission:

CeGaT Center for Human Genetics Tuebingen
Classification: Likely benign. Last evaluated: 2022-07-01. Review status: criteria provided, single submitter. Criteria: CeGaT Center For Human Genetics Tuebingen Variant Classification Criteria Version 2. Collection method: clinical testing. Allele origin: germline. Affected: yes. Observed: 1 variant allele.
Comment: LTN1: BP4, BP7

NM_015565.3(LTN1):c.1533C>T (p.Ser511=)

Gene: LTN1 (listerin E3 ubiquitin protein ligase 1; minus strand). Cytogenetic location: 21q21.3.
Variant type: single nucleotide variant.
Coding change: c.1533C>T on transcript NM_015565.3 (MANE Select); coding-DNA position 1533, C replaced by T.
Protein change: p.Ser511=; no amino-acid change (serine 511 retained).
Molecular consequence: synonymous variant.
Genome position (GRCh38, 1-based): chr21:28,966,958, G>A on the plus strand (C>T on the coding strand, the complement: LTN1 is on the minus strand). VCF-style: chr21-28966958-G-A. GRCh37 (hg19) VCF-style: chr21-30339280-G-A.
Other names: c.1533C>T, p.Ser511= (NM_001320766.2).
Identifiers: ClinVar variation 2652579 (VCV002652579.24), dbSNP rs149033003, ClinGen allele CA9990646.
Genomic context (GRCh38, chr21:28,966,958, plus strand): 5'-TGACTTCAATGAGCTCTTCGGCTTCTGAAGCACCTGTAATAGGTTAGATACACCCAAAAC[G>A]GACTCAACATCAGCTTCTGGCTCACTGATTTTCGCAACACAGATCTCTGACAGTCTTTCC-3'
Protein context (NP_056380.3, residues 501-521): KISEPEADVE[Ser511=]VLGVSNLLQV